The following is an entry in ClinVar:

NM_032043.3(BRIP1):c.463C>T (p.Gln155Ter)

Gene: BRIP1 (BRCA1 interacting DNA helicase 1; minus strand). Cytogenetic location: 17q23.2.
Variant type: single nucleotide variant.
Coding change: c.463C>T on transcript NM_032043.3 (MANE Select); coding-DNA position 463, C replaced by T.
Protein change: p.Gln155Ter; replaces glutamine 155 with a stop codon.
Molecular consequence: nonsense.
Genome position (GRCh38, 1-based): chr17:61,849,173, G>A on the plus strand (C>T on the coding strand, the complement: BRIP1 is on the minus strand). VCF-style: chr17-61849173-G-A. GRCh37 (hg19) VCF-style: chr17-59926534-G-A.
Other names: short protein forms Q155*.
Identifiers: ClinVar variation 141487 (VCV000141487.25), dbSNP rs587781786, ClinGen allele CA165590.

ClinVar aggregate classification (germline): Pathogenic. Review status: criteria provided, multiple submitters, no conflicts (2 of 4 stars). 6 submissions from 6 submitters: Pathogenic (6). Last evaluated 2025-03-31.

Conditions:
Hereditary cancer-predisposing syndrome. Also called: Neoplastic Syndromes, Hereditary; Hereditary Cancer Syndrome; Hereditary neoplastic syndrome; Tumor predisposition. Identifiers: Orphanet 140162, MedGen C0027672, MeSH D009386, MONDO:0015356.
Familial cancer of breast. Also called: Hereditary breast cancer; hereditary breast carcinoma; BREAST CANCER, FAMILIAL. Identifiers: Orphanet 227535, MedGen C0346153, MONDO:0016419, OMIM 114480. Disease mechanism: loss of function.
Fanconi anemia complementation group J. Also called: BRIP1-Related Fanconi Anemia. Identifiers: Orphanet 84, MedGen C1836860, MONDO:0012187, OMIM 609054.

Submissions (6):

Labcorp Genetics (formerly Invitae), Labcorp
Classification: Pathogenic for Familial cancer of breast; Fanconi anemia complementation group J. Last evaluated: 2025-03-31. Review status: criteria provided, single submitter. Criteria: Invitae Variant Classification Sherloc (09022015). Collection method: clinical testing. Allele origin: germline.
Comment: This sequence change creates a premature translational stop signal (p.Gln155*) in the BRIP1 gene. It is expected to result in an absent or disrupted protein product. Loss-of-function variants in BRIP1 are known to be pathogenic (PMID: 16116423, 17033622, 21964575). This variant is not present in population databases (gnomAD no frequency). This variant has not been reported in the literature in individuals affected with BRIP1-related conditions. ClinVar contains an entry for this variant (Variation ID: 141487). Algorithms developed to predict the effect of sequence changes on RNA splicing suggest that this variant may disrupt the consensus splice site. For these reasons, this variant has been classified as Pathogenic.

Center for Genomic Medicine, Rigshospitalet, Copenhagen University Hospital
Classification: Pathogenic. Last evaluated: 2025-03-04. Review status: criteria provided, single submitter. Criteria: ACMG Guidelines, 2015. Collection method: clinical testing. Allele origin: germline.

Ambry Genetics
Classification: Pathogenic for Hereditary cancer-predisposing syndrome. Last evaluated: 2024-06-27. Review status: criteria provided, single submitter. Criteria: Ambry Variant Classification Scheme 2023. Collection method: clinical testing. Allele origin: germline.
Comment: The p.Q155* pathogenic mutation (also known as c.463C>T), located in coding exon 4 of the BRIP1 gene, results from a C to T substitution at nucleotide position 463. This changes the amino acid from a glutamine to a stop codon within coding exon 4. This alteration is expected to result in loss of function by premature protein truncation or nonsense-mediated mRNA decay. As such, this alteration is interpreted as a disease-causing mutation.

Myriad Genetics, Inc.
Classification: Pathogenic for Familial cancer of breast. Last evaluated: 2023-05-31. Review status: criteria provided, single submitter. Criteria: Myriad Autosomal Dominant, Autosomal Recessive and X-Linked Classification Criteria (2023). Collection method: clinical testing. Allele origin: unknown.
Comment: This variant is considered pathogenic. This variant creates a termination codon and is predicted to result in premature protein truncation.

Color Diagnostics, LLC DBA Color Health
Classification: Pathogenic for Hereditary cancer-predisposing syndrome. Last evaluated: 2019-09-16. Review status: criteria provided, single submitter. Criteria: ACMG Guidelines, 2015. Collection method: clinical testing. Allele origin: germline.
Comment: This variant changes 1 nucleotide in exon 5 of the BRIP1 gene, creating a premature translation stop signal. This variant is expected to result in an absent or non-functional protein product. Splice site prediction tools suggest that this variant may not impact RNA splicing. To our knowledge, functional studies have not been performed for this variant. This variant has not been reported in individuals affected with hereditary cancer in the literature. This variant has not been identified in the general population by the Genome Aggregation Database (gnomAD). Loss of BRIP1 function is a known mechanism of disease. Based on the available evidence, this variant is classified as Pathogenic.

GeneDx
Classification: Pathogenic. Last evaluated: 2016-03-07. Review status: criteria provided, single submitter. Criteria: GeneDx Variant Classification (06012015). Collection method: clinical testing. Allele origin: germline. Affected: yes.
Comment: This variant is denoted BRIP1 c.463C>T at the cDNA level and p.Gln155Ter (Q155X) at the protein level. The substitution creates a nonsense variant, which changes a Glutamine to a premature stop codon (CAA>TAA), and is predicted to cause loss of normal protein function through either protein truncation or nonsense-mediated mRNA decay. Although this variant has not, to our knowledge, been reported in the literature, it is considered pathogenic.

Literature cited by the submitters: PubMed 16116423 (cited by Labcorp Genetics (formerly Invitae), Labcorp); PubMed 17033622 (cited by Labcorp Genetics (formerly Invitae), Labcorp); PubMed 21964575 (cited by Labcorp Genetics (formerly Invitae), Labcorp).